The following is an entry in ClinVar:

Single allele

Variant type: Microsatellite.
Identifiers: ClinVar variation 587700 (VCV000587700.3).

ClinVar aggregate classification (germline): Pathogenic (0 of 4 stars; one submission).

Conditions:
Dentatorubral-pallidoluysian atrophy (DRPLA). Also called: Naito Oyanagi disease; ATAXIA, CHOREA, SEIZURES, AND DEMENTIA; HAW RIVER SYNDROME; MYOCLONIC EPILEPSY WITH CHOREOATHETOSIS. Identifiers: Orphanet 101, MedGen C0751781, MONDO:0007435, OMIM 125370.

Submission:

GeneReviews
Classification: Pathogenic for DRPLA. Last evaluated: 2010-06-01. Review status: no assertion criteria provided. Collection method: curation. Allele origin: unknown.
ClinVar note: Converted during submission from pathologic to Pathogenic.